The following is an entry in ClinVar:

NM_020937.4(FANCM):c.499G>C (p.Glu167Gln)

Gene: FANCM (FA complementation group M; plus strand). Cytogenetic location: 14q21.2.
Variant type: single nucleotide variant.
Coding change: c.499G>C on transcript NM_020937.4 (MANE Select); coding-DNA position 499, G replaced by C.
Protein change: p.Glu167Gln; replaces glutamic acid 167 with glutamine.
Molecular consequence: missense variant.
Genome position (GRCh38, 1-based): chr14:45,136,530, G>C. VCF-style: chr14-45136530-G-C. GRCh37 (hg19) VCF-style: chr14-45605733-G-C.
Other names: c.499G>C, p.Glu167Gln (NM_001308133.2, NM_001308134.2); short protein forms E167Q.
Identifiers: ClinVar variation 4022581 (VCV004022581.1).
Genomic context (GRCh38, chr14:45,136,530, plus strand): 5'-GTGACACAGCAGATCGAGGCTTGCTACCAGGTGATGGGTATCCCGCAATCCCACATGGCC[G>C]AAATGACAGGTATCTTAGACTGGACTAATTTTGAAGTAAGAGCTGGGAATTCCTGACCCA-3'
Protein context (NP_065988.1, residues 157-177): VMGIPQSHMA[Glu167Gln]MTGSTQASTR

ClinVar aggregate classification (germline): Uncertain significance (1 of 4 stars; one submission).

Conditions:
Inborn genetic diseases. Identifiers: MedGen C0950123, MeSH D030342.

gnomAD v4.1: 1 of 1,613,658 alleles (0.000062%); highest among the groups gnomAD compares: African/African-American, 0.0013%; no homozygotes.

Submission:

Ambry Genetics
Classification: Uncertain significance for Inborn genetic diseases. Last evaluated: 2025-03-15. Review status: criteria provided, single submitter. Criteria: Ambry Variant Classification Scheme 2023. Collection method: clinical testing. Allele origin: germline.
Comment: The p.E167Q variant (also known as c.499G>C), located in coding exon 1 of the FANCM gene, results from a G to C substitution at nucleotide position 499. The glutamic acid at codon 167 is replaced by glutamine, an amino acid with highly similar properties. This amino acid position is conserved. In addition, this alteration is predicted to be tolerated by in silico analysis. Based on the available evidence, the clinical significance of this variant remains unclear.